The following is an entry in ClinVar:

NM_019892.6(INPP5E):c.1136G>A (p.Arg379Lys)

Gene: INPP5E (inositol polyphosphate-5-phosphatase E; minus strand). Cytogenetic location: 9q34.3.
Variant type: single nucleotide variant.
Coding change: c.1136G>A on transcript NM_019892.6 (MANE Select); coding-DNA position 1136, G replaced by A.
Protein change: p.Arg379Lys; replaces arginine 379 with lysine.
Molecular consequence: missense variant.
Genome position (GRCh38, 1-based): chr9:136,433,178, C>T on the plus strand (G>A on the coding strand, the complement: INPP5E is on the minus strand). VCF-style: chr9-136433178-C-T. GRCh37 (hg19) VCF-style: chr9-139327630-C-T.
Other names: c.1136G>A, p.Arg379Lys (NM_001318502.2); c.1136G>A (NM_019892.5); short protein forms R379K.
Identifiers: ClinVar variation 365888 (VCV000365888.16), dbSNP rs200518324, ClinGen allele CA5336941.

ClinVar aggregate classification (germline): Conflicting classifications of pathogenicity. Review status: criteria provided, conflicting classifications (1 of 4 stars). 4 submissions from 4 submitters: Uncertain significance (2); Likely benign (1). 1 of the submissions does not count toward it. Last evaluated 2026-01-18.

Conditions:
INPP5E-related disorder. Also called: INPP5E-related condition.
MORM syndrome (MORMS). Identifiers: Orphanet 75858, MedGen C1857802, MONDO:0012423, OMIM 610156.
Joubert syndrome 1 (JBTS1). Also called: Cerebellooculorenal syndrome 1; CEREBELLOPARENCHYMAL DISORDER IV. Identifiers: MedGen C4551568, MONDO:0008944, OMIM 213300.
Joubert syndrome. Also called: Familial aplasia of the vermis; JOUBERT-BOLTSHAUSER SYNDROME. Identifiers: Orphanet 475, MedGen C5979921, MONDO:0018772.

Allele frequency attached by ClinVar (database versions not stated): ESP Exome Variant Server 0.00008; TOPMed 0.00010; gnomAD exomes 0.00007 and 0.00012; ExAC 0.00008; gnomAD 0.00012 and 0.00011.
gnomAD v4.1: 131 of 1,605,658 alleles (0.0082%); highest among the groups gnomAD compares: Admixed American, 0.0033%; no homozygotes.

Submissions (4):

Labcorp Genetics (formerly Invitae), Labcorp
Classification: Likely benign for Joubert syndrome. Last evaluated: 2026-01-18. Review status: criteria provided, single submitter. Criteria: Invitae Variant Classification Sherloc (09022015). Collection method: clinical testing. Allele origin: germline.

Fulgent Genetics
Classification: Uncertain significance for Joubert syndrome 1; MORM syndrome. Last evaluated: 2024-02-24. Review status: criteria provided, single submitter. Criteria: ACMG Guidelines, 2015. Collection method: clinical testing. Allele origin: germline.

Illumina Laboratory Services, Illumina
Classification: Uncertain significance for Joubert syndrome 1. Last evaluated: 2018-01-12. Review status: criteria provided, single submitter. Criteria: ICSL Variant Classification Criteria 13 December 2019. Collection method: clinical testing. Allele origin: germline.

PreventionGenetics, part of Exact Sciences
Classification: Likely benign for INPP5E-related condition. Last evaluated: 2024-06-14. Review status: no assertion criteria provided. Collection method: clinical testing. Allele origin: germline. Not counted in ClinVar's aggregate classification.
Comment: This variant is classified as likely benign based on ACMG/AMP sequence variant interpretation guidelines (Richards et al. 2015 PMID: 25741868, with internal and published modifications).